The following is an entry in ClinVar:

NM_022463.5(NXN):c.803G>A (p.Arg268Gln)

Gene: NXN (nucleoredoxin; minus strand). Cytogenetic location: 17p13.3.
Variant type: single nucleotide variant.
Coding change: c.803G>A on transcript NM_022463.5 (MANE Select); coding-DNA position 803, G replaced by A.
Protein change: p.Arg268Gln; replaces arginine 268 with glutamine.
Molecular consequence: missense variant.
Genome position (GRCh38, 1-based): chr17:819,456, C>T on the plus strand (G>A on the coding strand, the complement: NXN is on the minus strand). VCF-style: chr17-819456-C-T. GRCh37 (hg19) VCF-style: chr17-722696-C-T.
Other names: c.479G>A, p.Arg160Gln (NM_001205319.1); short protein forms R160Q, R268Q.
Identifiers: ClinVar variation 2501246 (VCV002501246.1), dbSNP rs777902672, ClinGen allele CA8264088.

ClinVar aggregate classification (germline): Uncertain significance (1 of 4 stars; one submission).

Allele frequency attached by ClinVar (database versions not stated): gnomAD 0.00001; gnomAD exomes 0.00002; ExAC 0.00003.
gnomAD v4.1: 34 of 1,613,986 alleles (0.0021%); highest among the groups gnomAD compares: Non-Finnish European, 0.0026%; no homozygotes.

Submission:

Women's Health and Genetics/Laboratory Corporation of America, LabCorp
Classification: Uncertain significance. Last evaluated: 2023-03-29. Review status: criteria provided, single submitter. Criteria: LabCorp Variant Classification Summary - May 2015. Collection method: clinical testing. Allele origin: germline.
Comment: Variant summary: NXN c.803G>A (p.Arg268Gln) results in a conservative amino acid change located in the Thioredoxin domain (IPR012336) of the encoded protein sequence. Three of five in-silico tools predict a benign effect of the variant on protein function. The variant allele was found at a frequency of 1.6e-05 in 251006 control chromosomes. The available data on variant occurrences in the general population are insufficient to allow any conclusion about variant significance. To our knowledge, no occurrence of c.803G>A in individuals affected with Robinow Syndrome, Autosomal Recessive 2 and no experimental evidence demonstrating its impact on protein function have been reported. No clinical diagnostic laboratories have submitted clinical-significance assessments for this variant to ClinVar after 2014. Based on the evidence outlined above, the variant was classified as uncertain significance.